The following is an entry in ClinVar:

NM_172364.5(CACNA2D4):c.2922G>T (p.Leu974=)

Gene: CACNA2D4 (calcium voltage-gated channel auxiliary subunit alpha2delta 4; minus strand). Cytogenetic location: 12p13.33.
Variant type: single nucleotide variant.
Coding change: c.2922G>T on transcript NM_172364.5 (MANE Select); coding-DNA position 2922, G replaced by T.
Protein change: p.Leu974=; no amino-acid change (leucine 974 retained).
Molecular consequence: synonymous variant.
Genome position (GRCh38, 1-based): chr12:1,800,052, C>A on the plus strand (G>T on the coding strand, the complement: CACNA2D4 is on the minus strand). VCF-style: chr12-1800052-C-A. GRCh37 (hg19) VCF-style: chr12-1909218-C-A.
Identifiers: ClinVar variation 1441104 (VCV001441104.6), dbSNP rs1302315138, ClinGen allele CA477856648.
Genomic context (GRCh38, chr12:1,800,052, plus strand): 5'-GCACTCACCCTCGGCCCCTCTGTCGTACCAGGAGCCCCAGACACTCCACTCCAGCAGGAA[C>A]CTGTCAGACACAGGACTGAATCTCGGAGACCTCTGAGCCCTCCCGACTTGGGTTCCCAAG-3'
Protein context (NP_758952.4, residues 964-984): ATRWLLQELV[Leu974=]FLLEWSVWGS

ClinVar aggregate classification (germline): Uncertain significance (1 of 4 stars; one submission).

Submission:

Labcorp Genetics (formerly Invitae), Labcorp
Classification: Uncertain significance. Last evaluated: 2021-10-12. Review status: criteria provided, single submitter. Criteria: Invitae Variant Classification Sherloc (09022015). Collection method: clinical testing. Allele origin: germline.
Comment: In summary, the available evidence is currently insufficient to determine the role of this variant in disease. Therefore, it has been classified as a Variant of Uncertain Significance. Algorithms developed to predict the effect of sequence changes on RNA splicing suggest that this variant may disrupt the consensus splice site. This variant has not been reported in the literature in individuals affected with CACNA2D4-related conditions. This variant is not present in population databases (ExAC no frequency). This sequence change affects codon 974 of the CACNA2D4 mRNA. It is a 'silent' change, meaning that it does not change the encoded amino acid sequence of the CACNA2D4 protein. It affects a nucleotide within the consensus splice site.